The following is an entry in ClinVar:

NM_001555.5(IGSF1):c.3197A>G (p.Lys1066Arg)

Gene: IGSF1 (immunoglobulin superfamily member 1; minus strand). Cytogenetic location: Xq26.1.
Variant type: single nucleotide variant.
Coding change: c.3197A>G on transcript NM_001555.5 (MANE Select); coding-DNA position 3197, A replaced by G.
Protein change: p.Lys1066Arg; replaces lysine 1066 with arginine.
Molecular consequence: missense variant.
Genome position (GRCh38, 1-based): chrX:131,275,274, T>C on the plus strand (A>G on the coding strand, the complement: IGSF1 is on the minus strand). VCF-style: chrX-131275274-T-C. GRCh37 (hg19) VCF-style: chrX-130409248-T-C.
Other names: NC_000023.10:g.130409248T>C; c.3212A>G, p.Lys1071Arg (NM_001170961.2); c.3170A>G, p.Lys1057Arg (NM_001170962.2); short protein forms K1057R, K1066R, K1071R.
Identifiers: ClinVar variation 3768621 (VCV003768621.2).

ClinVar aggregate classification (germline): Uncertain significance (1 of 4 stars; one submission).

gnomAD v4.1: 1 of 1,211,220 alleles (0.000083%); highest among the groups gnomAD compares: East Asian, 0.003%; no homozygotes.

Submissions (2):

Women's Health and Genetics/Laboratory Corporation of America, LabCorp
Classification: Uncertain significance. Last evaluated: 2025-02-11. Review status: criteria provided, single submitter. Criteria: LabCorp Variant Classification Summary - May 2015. Collection method: clinical testing. Allele origin: germline.
Comment: Variant summary: IGSF1 c.3212A>G (p.Lys1071Arg) results in a conservative amino acid change located in the Immunoglobulin domain (IPR036179) of the encoded protein sequence. Three of five in-silico tools predict a benign effect of the variant on protein function. The variant was absent in 182118 control chromosomes. The available data on variant occurrences in the general population are insufficient to allow any conclusion about variant significance. c.3212A>G has been reported in the literature in at-least one female with permanent congenital hypothryoidism whose variant was maternally-inherited (example: Zhang_2023). These data do not allow any conclusion about variant significance. To our knowledge, no experimental evidence demonstrating an impact on protein function has been reported. The following publication has been ascertained in the context of this evaluation (PMID: 37390946). No submitters have cited clinical-significance assessments for this variant to ClinVar. Based on the evidence outlined above, the variant was classified as uncertain significance.

Dr. Peter K. Rogan Lab, Western University
No classification provided (evidence only). Condition: Thyroid cancer, nonmedullary, 1. Review status: no classification provided. Collection method: in vitro. Allele origin: not applicable. Functional consequence: retained intron. Not counted in ClinVar's aggregate classification.

Literature cited by the submitters: PubMed 37390946 (cited by Women's Health and Genetics/Laboratory Corporation of America, LabCorp); PubMed 38105685 (cited by Women's Health and Genetics/Laboratory Corporation of America, LabCorp).